The following is an entry in ClinVar:

ClinVar aggregate classification (germline): Uncertain significance (1 of 4 stars; one submission).

Allele frequency attached by ClinVar (database versions not stated): gnomAD 0.00001; TOPMed 0.00001; ExAC 0.00004.
gnomAD v4.1: 15 of 1,610,568 alleles (0.00093%); highest among the groups gnomAD compares: East Asian, 0.031%; no homozygotes.

Submission:

Ambry Genetics
Classification: Uncertain significance. Last evaluated: 2024-10-24. Review status: criteria provided, single submitter. Criteria: Ambry Variant Classification Scheme 2023. Collection method: clinical testing. Allele origin: germline.
Comment: The p.K2573Q variant (also known as c.7717A>C), located in coding exon 30 of the POLQ gene, results from an A to C substitution at nucleotide position 7717. The lysine at codon 2573 is replaced by glutamine, an amino acid with similar properties. This amino acid position is conserved. In addition, the in silico prediction for this alteration is inconclusive. Since supporting evidence is limited at this time, the clinical significance of this alteration remains unclear.

NM_199420.4(POLQ):c.7717A>C (p.Lys2573Gln)

Gene: POLQ (DNA polymerase theta; minus strand). Cytogenetic location: 3q13.33.
Variant type: single nucleotide variant.
Coding change: c.7717A>C on transcript NM_199420.4 (MANE Select); coding-DNA position 7717, A replaced by C.
Protein change: p.Lys2573Gln; replaces lysine 2573 with glutamine.
Molecular consequence: missense variant.
Genome position (GRCh38, 1-based): chr3:121,432,360, T>G on the plus strand (A>C on the coding strand, the complement: POLQ is on the minus strand). VCF-style: chr3-121432360-T-G. GRCh37 (hg19) VCF-style: chr3-121151207-T-G.
Other names: short protein forms K2573Q.
Identifiers: ClinVar variation 1760284 (VCV001760284.3), dbSNP rs770769921, ClinGen allele CA2562084.